The following is an entry in ClinVar:

ClinVar aggregate classification (germline): Uncertain significance (1 of 4 stars; one submission).

Submission:

Illumina Laboratory Services, Illumina
Classification: Uncertain significance. Last evaluated: 2020-11-03. Review status: criteria provided, single submitter. Criteria: ICSL CNVClassificationCriteria Aug2020. Collection method: clinical testing. Allele origin: unknown.
Comment: This CNV is a 1.3 Mb deletion of 1p34.3p34.2, on chromosome 1, (seq[GRCh37]del(1)(p34.3p34.2);chr1:g.39340597_40603856del) which has been identified in a de novo state and constitutes a loss encompassing 28 protein coding genes. One of the breakpoints lies within the GJA9 gene. Deletions in this region are rare with no CNVs of a similar size and position identified in controls or reported in the literature. Based on the limited evidence currently available, this CNV is classified as a variant of uncertain significance.

GRCh37/hg19 1p34.3-34.2(chr1:39340597-40603856)x1

Genes: AKIRIN1 (akirin 1; plus strand), BMP8A (bone morphogenetic protein 8a; plus strand), BMP8B (bone morphogenetic protein 8b; minus strand), CAP1 (cyclase associated actin cytoskeleton regulatory protein 1; plus strand), GJA9 (gap junction protein alpha 9; minus strand) and 15 more. Cytogenetic location: 1p34.3-34.2.
Variant type: copy number loss.
Change: copy number 1 (one copy instead of two) of chr1:39,340,597-40,603,856 (1.26 Mb, GRCh37 coordinates, 1-based), cytogenetic band 1p34.3-34.2.
Identifiers: ClinVar variation 988903 (VCV000988903.4).